The following is an entry in ClinVar:

ClinVar aggregate classification (germline): Benign/Likely benign. Review status: criteria provided, multiple submitters, no conflicts (2 of 4 stars). 10 submissions from 10 submitters: Benign (8); Likely benign (2). Last evaluated 2026-09-01.

Conditions:
Early-infantile DEE. Also called: Early infantile epileptic encephalopathy with suppression bursts; Ohtahara syndrome; Early infantile epileptic encephalopathy. Identifiers: Orphanet 1934, MedGen C0393706, MONDO:0800491.
Inborn genetic diseases. Identifiers: MedGen C0950123, MeSH D030342.

Allele frequency attached by ClinVar (database versions not stated): 1000 Genomes Project 30x 0.00094; 1000 Genomes Project 0.00120; TOPMed 0.00350; ExAC 0.00379; ESP Exome Variant Server 0.00384; gnomAD exomes 0.00390 and 0.00491; gnomAD 0.00400 and 0.00419.
gnomAD v4.1: 7,737 of 1,613,884 alleles (0.48%); highest among the groups gnomAD compares: Non-Finnish European, 0.55%; 34 homozygotes.

Submissions (10):

CeGaT Center for Human Genetics Tuebingen
Classification: Benign. Last evaluated: 2026-09-01. Review status: criteria provided, single submitter. Criteria: CeGaT Center For Human Genetics Tuebingen Variant Classification Criteria Version 2. Collection method: clinical testing. Allele origin: germline. Affected: yes. Observed: 47 variant alleles.
Comment: HCN1: BP4, BP7, BS1, BS2

Labcorp Genetics (formerly Invitae), Labcorp
Classification: Benign for Early-infantile DEE. Last evaluated: 2026-02-03. Review status: criteria provided, single submitter. Criteria: Invitae Variant Classification Sherloc (09022015). Collection method: clinical testing. Allele origin: germline.

Athena Diagnostics
Classification: Benign. Last evaluated: 2025-06-27. Review status: criteria provided, single submitter. Criteria: Athena Diagnostics Criteria. Collection method: clinical testing. Allele origin: unknown.
Comment: The frequency of this variant in the general population is higher than would generally be expected for pathogenic variants in this gene.

ARUP Laboratories, Molecular Genetics and Genomics, ARUP Laboratories
Classification: Benign. Last evaluated: 2025-03-06. Review status: criteria provided, single submitter. Criteria: ARUP Molecular Germline Variant Investigation Process 2024. Collection method: clinical testing. Allele origin: germline.

Blueprint Genetics
Classification: Likely benign. Last evaluated: 2024-11-26. Review status: criteria provided, single submitter. Criteria: ACMG Guidelines, 2015. Collection method: clinical testing. Allele origin: germline.

GeneDx
Classification: Benign. Last evaluated: 2021-04-19. Review status: criteria provided, single submitter. Criteria: GeneDx Variant Classification Process June 2021. Collection method: clinical testing. Allele origin: germline. Affected: yes.

Genetic Services Laboratory, University of Chicago
Classification: Benign. Last evaluated: 2020-10-12. Review status: criteria provided, single submitter. Criteria: ACMG Guidelines, 2015. Collection method: clinical testing. Allele origin: germline. Affected: no.

Mayo Clinic Laboratories, Mayo Clinic
Classification: Benign. Last evaluated: 2019-12-16. Review status: criteria provided, single submitter. Criteria: ACMG Guidelines, 2015. Collection method: clinical testing. Allele origin: germline. Observed: 3 variant alleles.

Ambry Genetics
Classification: Likely benign for Inborn genetic diseases. Last evaluated: 2016-03-16. Review status: criteria provided, single submitter. Criteria: Ambry Variant Classification Scheme 2023. Collection method: clinical testing. Allele origin: germline.

Eurofins Ntd Llc (ga)
Classification: Benign. Last evaluated: 2014-02-26. Review status: criteria provided, single submitter. Criteria: EGL Classification Definitions 2015. Collection method: clinical testing. Allele origin: germline. Observed: 5 variant alleles, 5 heterozygotes.

Literature cited by the submitters: PubMed 22131395 (cited by Athena Diagnostics and Ambry Genetics); PubMed 20437590 (cited by Athena Diagnostics and Ambry Genetics).

NM_021072.4(HCN1):c.1797A>G (p.Ser599=)

Gene: HCN1 (hyperpolarization activated cyclic nucleotide gated potassium channel 1; minus strand). Cytogenetic location: 5p12.
Variant type: single nucleotide variant.
Coding change: c.1797A>G on transcript NM_021072.4 (MANE Select); coding-DNA position 1797, A replaced by G.
Protein change: p.Ser599=; no amino-acid change (serine 599 retained).
Molecular consequence: synonymous variant.
Genome position (GRCh38, 1-based): chr5:45,262,797, T>C on the plus strand (A>G on the coding strand, the complement: HCN1 is on the minus strand). VCF-style: chr5-45262797-T-C. GRCh37 (hg19) VCF-style: chr5-45262899-T-C.
Other names: p.Ser599=.
Identifiers: ClinVar variation 167167 (VCV000167167.57), dbSNP rs148932124, ClinGen allele CA180103.